The following is an entry in ClinVar:

NM_020708.5(SLC12A5):c.2191C>T (p.Arg731Cys)

Gene: SLC12A5 (solute carrier family 12 member 5; plus strand). Cytogenetic location: 20q13.12.
Variant type: single nucleotide variant.
Coding change: c.2191C>T on transcript NM_020708.5 (MANE Select); coding-DNA position 2191, C replaced by T.
Protein change: p.Arg731Cys; replaces arginine 731 with cysteine.
Molecular consequence: missense variant.
Genome position (GRCh38, 1-based): chr20:46,051,684, C>T. VCF-style: chr20-46051684-C-T. GRCh37 (hg19) VCF-style: chr20-44680323-C-T.
Other names: c.2260C>T, p.Arg754Cys (NM_001134771.2); short protein forms R754C, R731C.
Identifiers: ClinVar variation 936293 (VCV000936293.12), dbSNP rs1197752454, ClinGen allele CA409203098.

ClinVar aggregate classification (germline): Uncertain significance. Review status: criteria provided, multiple submitters, no conflicts (2 of 4 stars). 2 submissions from 2 submitters: Uncertain significance (2). Last evaluated 2025-07-09.

Conditions:
Developmental and epileptic encephalopathy, 34 (DEE34). Also called: Early infantile epileptic encephalopathy 34; SLC12A5-Related Epilepsy of Infancy with Migrating Focal Seizures. Identifiers: Orphanet 293181, MedGen C4225257, MONDO:0014718, OMIM 616645.

Allele frequency attached by ClinVar (database versions not stated): gnomAD exomes 0.00001; gnomAD 0.00001; TOPMed below 0.00001.
gnomAD v4.1: 5 of 1,608,044 alleles (0.00031%); highest among the groups gnomAD compares: South Asian, 0.0022%; no homozygotes.

Submissions (2):

Dasa
Classification: Uncertain significance. Last evaluated: 2025-07-09. Review status: criteria provided, single submitter. Criteria: DASA Assertion Criteria. Collection method: clinical testing. Allele origin: germline.
Comment: NM_020708.5(SLC12A5):c.2191C>T (p.Arg731Cys) is a missense variant that results in the substitution of arginine with cysteine. This variant is rare in population databases. The currently available literature and clinical evidence are not sufficient to establish a definitive association between this variant and the reported condition. Therefore, this variant is classified as a variant of uncertain significance.

Labcorp Genetics (formerly Invitae), Labcorp
Classification: Uncertain significance for Developmental and epileptic encephalopathy, 34. Last evaluated: 2022-03-03. Review status: criteria provided, single submitter. Criteria: Invitae Variant Classification Sherloc (09022015). Collection method: clinical testing. Allele origin: germline.
Comment: This sequence change replaces arginine, which is basic and polar, with cysteine, which is neutral and slightly polar, at codon 731 of the SLC12A5 protein (p.Arg731Cys). In summary, the available evidence is currently insufficient to determine the role of this variant in disease. Therefore, it has been classified as a Variant of Uncertain Significance. Algorithms developed to predict the effect of sequence changes on RNA splicing suggest that this variant may create or strengthen a splice site. Advanced modeling of protein sequence and biophysical properties (such as structural, functional, and spatial information, amino acid conservation, physicochemical variation, residue mobility, and thermodynamic stability) performed at Invitae indicates that this missense variant is not expected to disrupt SLC12A5 protein function. ClinVar contains an entry for this variant (Variation ID: 936293). This variant has not been reported in the literature in individuals affected with SLC12A5-related conditions. This variant is present in population databases (no rsID available, gnomAD 0.007%).